The following is an entry in ClinVar:

ClinVar aggregate classification (germline): Likely benign. Review status: criteria provided, single submitter (1 of 4 stars). 2 submissions from 2 submitters: Likely benign (1). 1 of the submissions does not count toward it. Last evaluated 2024-07-15.

Conditions:
TXNRD2-related disorder. Also called: TXNRD2-related condition.

Allele frequency attached by ClinVar (database versions not stated): gnomAD 0.00040; 1000 Genomes Project 30x 0.00047; 1000 Genomes Project 0.00060.
gnomAD v4.1: 118 of 1,612,608 alleles (0.0073%); highest among the groups gnomAD compares: Admixed American, 0.083%; 1 homozygote.

Submissions (2):

Blueprint Genetics
Classification: Likely benign. Last evaluated: 2024-07-15. Review status: criteria provided, single submitter. Criteria: ACMG Guidelines, 2015. Collection method: clinical testing. Allele origin: germline.

PreventionGenetics, part of Exact Sciences
Classification: Likely benign for TXNRD2-related condition. Last evaluated: 2019-12-27. Review status: no assertion criteria provided. Collection method: clinical testing. Allele origin: germline. Not counted in ClinVar's aggregate classification.
Comment: This variant is classified as likely benign based on ACMG/AMP sequence variant interpretation guidelines (Richards et al. 2015 PMID: 25741868, with internal and published modifications).

NM_006440.5(TXNRD2):c.104-1249C>T

Gene: TXNRD2 (thioredoxin reductase 2; minus strand). Cytogenetic location: 22q11.21.
Variant type: single nucleotide variant.
Coding change: c.104-1249C>T on transcript NM_006440.5 (MANE Select); 1249 bases into the intron before coding-DNA position 104, C replaced by T.
Molecular consequence: intron variant.
Genome position (GRCh38, 1-based): chr22:19,932,347, G>A on the plus strand (C>T on the coding strand, the complement: TXNRD2 is on the minus strand). VCF-style: chr22-19932347-G-A. GRCh37 (hg19) VCF-style: chr22-19919870-G-A.
Other names: c.104-1252C>T (NM_001352300.2); c.-185-1249C>T (NM_001352302.2); c.13+10C>T (NM_001352301.2); c.104-1249C>T (NM_001282512.3); c.7+1087C>T (NM_001352303.2).
Identifiers: ClinVar variation 3036829 (VCV003036829.3), dbSNP rs564037663, ClinGen allele CA10104371.